The following is an entry in ClinVar:

NM_005219.5(DIAPH1):c.1684A>T (p.Met562Leu)

Gene: DIAPH1 (diaphanous related formin 1; minus strand). Cytogenetic location: 5q31.3.
Variant type: single nucleotide variant.
Coding change: c.1684A>T on transcript NM_005219.5 (MANE Select); coding-DNA position 1684, A replaced by T.
Protein change: p.Met562Leu; replaces methionine 562 with leucine.
Molecular consequence: missense variant.
Genome position (GRCh38, 1-based): chr5:141,574,166, T>A on the plus strand (A>T on the coding strand, the complement: DIAPH1 is on the minus strand). VCF-style: chr5-141574166-T-A. GRCh37 (hg19) VCF-style: chr5-140953733-T-A.
Other names: c.1657A>T, p.Met553Leu (NM_001079812.3); c.1684A>T, p.Met562Leu (NM_001314007.2); short protein forms M553L, M562L.
Identifiers: ClinVar variation 3750054 (VCV003750054.2).

ClinVar aggregate classification (germline): Uncertain significance (1 of 4 stars; one submission).

Conditions:
Autosomal dominant nonsyndromic hearing loss 1. Also called: KONIGSMARK SYNDROME; DEAFNESS, AUTOSOMAL DOMINANT 1, WITH OR WITHOUT THROMBOCYTOPENIA. Identifiers: Orphanet 90635, MedGen C1852282, MONDO:0007424, OMIM 124900.
Progressive microcephaly-seizures-cortical blindness-developmental delay syndrome. Also called: Seizures, cortical blindness, and microcephaly syndrome. Identifiers: Orphanet 477814, MedGen C5567650, MONDO:0014714, OMIM 616632.

Submission:

Labcorp Genetics (formerly Invitae), Labcorp
Classification: Uncertain significance for Progressive microcephaly-seizures-cortical blindness-developmental delay syndrome; Autosomal dominant nonsyndromic hearing loss 1. Last evaluated: 2024-06-24. Review status: criteria provided, single submitter. Criteria: Invitae Variant Classification Sherloc (09022015). Collection method: clinical testing. Allele origin: germline.
Comment: This sequence change replaces methionine, which is neutral and non-polar, with leucine, which is neutral and non-polar, at codon 562 of the DIAPH1 protein (p.Met562Leu). This variant is not present in population databases (gnomAD no frequency). This variant has not been reported in the literature in individuals affected with DIAPH1-related conditions. Experimental studies and prediction algorithms are not available or were not evaluated, and the functional significance of this variant is currently unknown. In summary, the available evidence is currently insufficient to determine the role of this variant in disease. Therefore, it has been classified as a Variant of Uncertain Significance.